The following is an entry in ClinVar:

NM_017780.4(CHD7):c.6233T>G (p.Leu2078Arg)

Gene: CHD7 (chromodomain helicase DNA binding protein 7; plus strand). Cytogenetic location: 8q12.2.
Variant type: single nucleotide variant.
Coding change: c.6233T>G on transcript NM_017780.4 (MANE Select); coding-DNA position 6233, T replaced by G.
Protein change: p.Leu2078Arg; replaces leucine 2078 with arginine.
Molecular consequence: missense variant. On other transcripts: intron variant (1).
Genome position (GRCh38, 1-based): chr8:60,852,958, T>G. VCF-style: chr8-60852958-T-G. GRCh37 (hg19) VCF-style: chr8-61765517-T-G.
Other names: c.1717-9271T>G (NM_001316690.1); short protein forms L2078R.
Identifiers: ClinVar variation 4057286 (VCV004057286.1).

ClinVar aggregate classification (germline): Uncertain significance (1 of 4 stars; one submission).

Conditions:
Hypogonadotropic hypogonadism 5 with or without anosmia (KAL5). Also called: HYPOGONADOTROPIC HYPOGONADISM 5 WITH ANOSMIA; HYPOGONADOTROPHIC HYPOGONADISM 5 WITHOUT ANOSMIA; CHD7-Related GnRH Deficiency (Kallmann Syndrome 5). Identifiers: Orphanet 478, MedGen C3552553, MONDO:0012880, OMIM 612370. Disease mechanism: loss of function.

Submission:

Diagnostics Services (NGS), CSIR - Centre For Cellular And Molecular Biology
Classification: Uncertain significance for Hypogonadotropic hypogonadism 5 with or without anosmia. Last evaluated: 2025-06-20. Review status: criteria provided, single submitter. Criteria: ACMG Guidelines, 2015. Collection method: clinical testing. Allele origin: unknown. Affected: yes. Observed: 1 variant allele, 1 heterozygote.
Comment: The c.6233T>G variant is not present in publicly available population databases like 1000 Genomes, EVS, gnomAD, Indian Exome Database or our internal database. This variant has neither been published in the literature for CHD7-related conditions nor reported to clinical databases like Human Genome Mutation database (HGMD), ClinVar or OMIM in any affected individuals. In-silico pathogenicity prediction programs like SIFT, Polyphen-2, MutationTaster2021, CADD, etc predicted this variant to be likely deleterious, however these predictions were not confirmed by published functional studies.